The following is an entry in ClinVar:

NM_004168.4(SDHA):c.786C>T (p.Thr262=)

Gene: SDHA (succinate dehydrogenase complex flavoprotein subunit A; plus strand). Cytogenetic location: 5p15.33.
Variant type: single nucleotide variant.
Coding change: c.786C>T on transcript NM_004168.4 (MANE Select); coding-DNA position 786, C replaced by T.
Protein change: p.Thr262=; no amino-acid change (threonine 262 retained).
Molecular consequence: synonymous variant.
Genome position (GRCh38, 1-based): chr5:230,891, C>T. VCF-style: chr5-230891-C-T. GRCh37 (hg19) VCF-style: chr5-231006-C-T.
Other names: c.642C>T, p.Thr214= (NM_001294332.2); c.786C>T, p.Thr262= (NM_001330758.2).
Identifiers: ClinVar variation 1611028 (VCV001611028.11), dbSNP rs1560992315, ClinGen allele CA442691467.

ClinVar aggregate classification (germline): Benign/Likely benign. Review status: criteria provided, multiple submitters, no conflicts (2 of 4 stars). 3 submissions from 3 submitters: Benign (1); Likely benign (2). Last evaluated 2025-12-03.

Conditions:
Pheochromocytoma/paraganglioma syndrome 5. Also called: Paragangliomas 5; SDHA-Related Hereditary Paraganglioma-Pheochromocytoma Syndrome. Identifiers: Orphanet 29072, MedGen C3279992, MONDO:0013602, OMIM 614165.
Mitochondrial complex II deficiency, nuclear type 1. Also called: SUCCINATE CoQ REDUCTASE DEFICIENCY. Identifiers: Orphanet 3208, MedGen C5700310, MONDO:0100294, OMIM 252011.
Hereditary cancer-predisposing syndrome. Also called: Tumor predisposition; Hereditary Cancer Syndrome; Hereditary neoplastic syndrome; Neoplastic Syndromes, Hereditary. Identifiers: Orphanet 140162, MedGen C0027672, MeSH D009386, MONDO:0015356.

Submissions (3):

Labcorp Genetics (formerly Invitae), Labcorp
Classification: Likely benign for Pheochromocytoma/paraganglioma syndrome 5; Mitochondrial complex II deficiency, nuclear type 1. Last evaluated: 2025-12-03. Review status: criteria provided, single submitter. Criteria: Invitae Variant Classification Sherloc (09022015). Collection method: clinical testing. Allele origin: germline.

Myriad Genetics, Inc.
Classification: Benign for Pheochromocytoma/paraganglioma syndrome 5. Last evaluated: 2025-03-03. Review status: criteria provided, single submitter. Criteria: Myriad Autosomal Dominant, Autosomal Recessive and X-Linked Classification Criteria (2023). Collection method: clinical testing. Allele origin: unknown.
Comment: This variant is considered benign. This variant is a silent/synonymous amino acid change and it is not expected to impact splicing.

Ambry Genetics
Classification: Likely benign for Hereditary cancer-predisposing syndrome. Last evaluated: 2021-03-26. Review status: criteria provided, single submitter. Criteria: Ambry Variant Classification Scheme 2023. Collection method: clinical testing. Allele origin: germline.